The following is an entry in ClinVar:

NM_033118.4(MYLK2):c.602C>A (p.Ala201Glu)

Gene: MYLK2 (myosin light chain kinase 2; plus strand). Cytogenetic location: 20q11.21.
Variant type: single nucleotide variant.
Coding change: c.602C>A on transcript NM_033118.4 (MANE Select); coding-DNA position 602, C replaced by A.
Protein change: p.Ala201Glu; replaces alanine 201 with glutamic acid.
Molecular consequence: missense variant.
Genome position (GRCh38, 1-based): chr20:31,821,567, C>A. VCF-style: chr20-31821567-C-A. GRCh37 (hg19) VCF-style: chr20-30409370-C-A.
Other names: short protein forms A201E.
Identifiers: ClinVar variation 1034715 (VCV001034715.8), dbSNP rs769968444, ClinGen allele CA408525959.

ClinVar aggregate classification (germline): Uncertain significance (1 of 4 stars; one submission).

Conditions:
Hypertrophic cardiomyopathy 1 (CMH1). Also called: MYH7-Related Familial Hypertrophic Cardiomyopathy; Familial hypertrophic cardiomyopathy 1. Identifiers: MedGen C3495498, MONDO:0008647, OMIM 192600.

Allele frequency attached by ClinVar (database versions not stated): gnomAD 0.00001; TOPMed 0.00001.

Submission:

Labcorp Genetics (formerly Invitae), Labcorp
Classification: Uncertain significance for Hypertrophic cardiomyopathy 1. Last evaluated: 2024-10-15. Review status: criteria provided, single submitter. Criteria: Invitae Variant Classification Sherloc (09022015). Collection method: clinical testing. Allele origin: germline.
Comment: This sequence change replaces alanine, which is neutral and non-polar, with glutamic acid, which is acidic and polar, at codon 201 of the MYLK2 protein (p.Ala201Glu). This variant is not present in population databases (gnomAD no frequency). This variant has not been reported in the literature in individuals affected with MYLK2-related conditions. ClinVar contains an entry for this variant (Variation ID: 1034715). Invitae Evidence Modeling of protein sequence and biophysical properties (such as structural, functional, and spatial information, amino acid conservation, physicochemical variation, residue mobility, and thermodynamic stability) indicates that this missense variant is not expected to disrupt MYLK2 protein function with a negative predictive value of 80%. In summary, the available evidence is currently insufficient to determine the role of this variant in disease. Therefore, it has been classified as a Variant of Uncertain Significance.